The following is an entry in ClinVar:

NM_000228.3(LAMB3):c.436dup (p.Tyr146fs)

Gene: LAMB3 (laminin subunit beta 3; minus strand). Cytogenetic location: 1q32.2.
Variant type: Duplication.
Coding change: c.436dup on transcript NM_000228.3 (MANE Select); coding-DNA position 436, one base duplicated (T; older notation c.436dupT).
Protein change: p.Tyr146fs; shifts the reading frame from tyrosine 146.
Molecular consequence: frameshift variant.
Genome position (GRCh38, 1-based): chr1:209,634,575, A duplicated on the plus strand (T on the coding strand, the reverse complement: LAMB3 is on the minus strand). VCF-style (leftmost placement, unchanged base first): chr1-209634574-T-TA. GRCh37 (hg19) VCF-style: chr1-209807919-T-TA.
Other names: c.436dup, p.Tyr146fs (NM_001017402.2, NM_001127641.1); short protein forms Y146fs.
Identifiers: ClinVar variation 864602 (VCV000864602.7), dbSNP rs1666824711, ClinGen allele CA916082106.
Genomic context (GRCh38, chr1:209,634,574, plus strand): 5'-TGAGGCCGACCCTGGCGGACCCGAGGGAAGGTGGAGGTGCAGTCGGCAGCCAGGTACTGG[T>TA]ACACTCGCCAGGTCTTACCGAAGTCTGAGGAGCGCTCAATCAGCATGCCGGCGGGCATGG-3'

ClinVar aggregate classification (germline): Pathogenic (1 of 4 stars; one submission).

Submission:

Labcorp Genetics (formerly Invitae), Labcorp
Classification: Pathogenic. Last evaluated: 2023-09-21. Review status: criteria provided, single submitter. Criteria: Invitae Variant Classification Sherloc (09022015). Collection method: clinical testing. Allele origin: germline.
Comment: This variant has not been reported in the literature in individuals affected with LAMB3-related conditions. ClinVar contains an entry for this variant (Variation ID: 864602). For these reasons, this variant has been classified as Pathogenic. This variant is not present in population databases (gnomAD no frequency). This sequence change creates a premature translational stop signal (p.Tyr146Leufs*36) in the LAMB3 gene. It is expected to result in an absent or disrupted protein product. Loss-of-function variants in LAMB3 are known to be pathogenic (PMID: 11023379, 16473856).

Literature cited by the submitters: PubMed 11023379; PubMed 16473856.